The following is an entry in ClinVar:

NM_177438.3(DICER1):c.1123C>G (p.Pro375Ala)

Gene: DICER1 (dicer 1, ribonuclease III; minus strand). Cytogenetic location: 14q32.13.
Variant type: single nucleotide variant.
Coding change: c.1123C>G on transcript NM_177438.3 (MANE Select); coding-DNA position 1123, C replaced by G.
Protein change: p.Pro375Ala; replaces proline 375 with alanine.
Molecular consequence: missense variant.
Genome position (GRCh38, 1-based): chr14:95,124,449, G>C on the plus strand (C>G on the coding strand, the complement: DICER1 is on the minus strand). VCF-style: chr14-95124449-G-C. GRCh37 (hg19) VCF-style: chr14-95590786-G-C.
Other names: c.1123C>G, p.Pro375Ala (NM_001195573.1, NM_001271282.3, NM_001291628.2 and 1 more transcripts); short protein forms P375A.
Identifiers: ClinVar variation 943271 (VCV000943271.11), dbSNP rs1595439411, ClinGen allele CA390886912.

ClinVar aggregate classification (germline): Uncertain significance (1 of 4 stars; one submission).

Conditions:
DICER1-related tumor predisposition. Also called: DICER1-related pleuropulmonary blastoma cancer predisposition syndrome; DICER1 syndrome. Identifiers: Orphanet 284343, MedGen C3839822, MONDO:0100216.

Submission:

Labcorp Genetics (formerly Invitae), Labcorp
Classification: Uncertain significance for DICER1-related tumor predisposition. Last evaluated: 2019-06-30. Review status: criteria provided, single submitter. Criteria: Invitae Variant Classification Sherloc (09022015). Collection method: clinical testing. Allele origin: germline.
Comment: In summary, the available evidence is currently insufficient to determine the role of this variant in disease. Therefore, it has been classified as a Variant of Uncertain Significance. Algorithms developed to predict the effect of missense changes on protein structure and function are either unavailable or do not agree on the potential impact of this missense change (SIFT: "Tolerated"; PolyPhen-2: "Probably Damaging"; Align-GVGD: "Class C0"). This variant has not been reported in the literature in individuals with DICER1-related conditions. This variant is not present in population databases (ExAC no frequency). This sequence change replaces proline with alanine at codon 375 of the DICER1 protein (p.Pro375Ala). The proline residue is highly conserved and there is a small physicochemical difference between proline and alanine.